The following is an entry in ClinVar:

NM_000551.4(VHL):c.-36C>G

Gene: VHL (von Hippel-Lindau tumor suppressor; plus strand). Cytogenetic location: 3p25.3.
Variant type: single nucleotide variant.
Coding change: c.-36C>G on transcript NM_000551.4 (MANE Select); 36 bases upstream of the start codon, C replaced by G.
Molecular consequence: 5 prime UTR variant.
Genome position (GRCh38, 1-based): chr3:10,141,812, C>G. VCF-style: chr3-10141812-C-G. GRCh37 (hg19) VCF-style: chr3-10183496-C-G.
Other names: c.-36C>G (NM_001354723.2, NM_198156.3).
Identifiers: ClinVar variation 511831 (VCV000511831.1), dbSNP rs1349047110, ClinGen allele CA541213491.

ClinVar aggregate classification (germline): Likely benign (1 of 4 stars; one submission).

Allele frequency attached by ClinVar (database versions not stated): gnomAD 0.00001 and 0.00002; gnomAD exomes 0.00001.
gnomAD v4.1: 25 of 1,535,722 alleles (0.0016%); highest among the groups gnomAD compares: Non-Finnish European, 0.0021%; no homozygotes.

Submission:

GeneDx
Classification: Likely benign. Last evaluated: 2017-08-30. Review status: criteria provided, single submitter. Criteria: GeneDx Variant Classification (06012015). Collection method: clinical testing. Allele origin: germline. Affected: yes.
Comment: This variant is considered likely benign or benign based on one or more of the following criteria: it is a conservative change, it occurs at a poorly conserved position in the protein, it is predicted to be benign by multiple in silico algorithms, and/or has population frequency not consistent with disease.